The following is an entry in ClinVar:

NM_000271.5(NPC1):c.387T>C (p.Tyr129=)

Gene: NPC1 (NPC intracellular cholesterol transporter 1; minus strand). Cytogenetic location: 18q11.2.
Variant type: single nucleotide variant.
Coding change: c.387T>C on transcript NM_000271.5 (MANE Select); coding-DNA position 387, T replaced by C.
Protein change: p.Tyr129=; no amino-acid change (tyrosine 129 retained).
Molecular consequence: synonymous variant.
Genome position (GRCh38, 1-based): chr18:23,568,899, A>G on the plus strand (T>C on the coding strand, the complement: NPC1 is on the minus strand). VCF-style: chr18-23568899-A-G. GRCh37 (hg19) VCF-style: chr18-21148863-A-G.
Identifiers: ClinVar variation 129811 (VCV000129811.37), dbSNP rs12970899, ClinGen allele CA154138.

ClinVar aggregate classification (germline): Benign. Review status: criteria provided, multiple submitters, no conflicts (2 of 4 stars). 16 submissions from 16 submitters: Benign (10). 6 of the submissions do not count toward it. Last evaluated 2026-02-04.

Conditions:
Niemann-Pick disease, type C1. Also called: NEUROVISCERAL STORAGE DISEASE WITH VERTICAL SUPRANUCLEAR OPHTHALMOPLEGIA; NIEMANN-PICK DISEASE WITH CHOLESTEROL ESTERIFICATION BLOCK; NIEMANN-PICK DISEASE WITHOUT SPHINGOMYELINASE DEFICIENCY; NIEMANN-PICK DISEASE, CHRONIC NEURONOPATHIC FORM; NIEMANN-PICK DISEASE, VARIANT TYPE C1. Identifiers: Orphanet 646, MedGen C3179455, MONDO:0009757, OMIM 257220.

Allele frequency attached by ClinVar (database versions not stated): 1000 Genomes Project 30x 0.10821; 1000 Genomes Project 0.10982; TOPMed 0.12823; gnomAD 0.13133 and 0.13198; ESP Exome Variant Server 0.13809; gnomAD exomes 0.14361 and 0.15544; ExAC 0.14444.
gnomAD v4.1: 247,809 of 1,613,482 alleles (15%); highest among the groups gnomAD compares: Middle Eastern, 25%; 20,628 homozygotes.

Submissions (16):

Labcorp Genetics (formerly Invitae), Labcorp
Classification: Benign for Niemann-Pick disease, type C1. Last evaluated: 2026-02-04. Review status: criteria provided, single submitter. Criteria: Invitae Variant Classification Sherloc (09022015). Collection method: clinical testing. Allele origin: germline.

Blueprint Genetics
Classification: Benign. Last evaluated: 2024-11-28. Review status: criteria provided, single submitter. Criteria: ACMG Guidelines, 2015. Collection method: clinical testing. Allele origin: germline.

Genome-Nilou Lab
Classification: Benign for Niemann-Pick disease, type C1. Last evaluated: 2021-06-10. Review status: criteria provided, single submitter. Criteria: ACMG Guidelines, 2015. Collection method: clinical testing. Allele origin: germline. Affected: no.

Illumina Laboratory Services, Illumina
Classification: Benign for Niemann-Pick disease type C1. Last evaluated: 2018-01-13. Review status: criteria provided, single submitter. Criteria: ICSL Variant Classification Criteria 13 December 2019. Collection method: clinical testing. Allele origin: germline.
Comment: This variant was observed in the ICSL laboratory as part of a predisposition screen in an ostensibly healthy population. It had not been previously curated by ICSL or reported in the Human Gene Mutation Database (HGMD: prior to June 1st, 2018), and was therefore a candidate for classification through an automated scoring system. Utilizing variant allele frequency, disease prevalence and penetrance estimates, and inheritance mode, an automated score was calculated to assess if this variant is too frequent to cause the disease. Based on the score and internal cut-off values, a variant classified as benign is not then subjected to further curation. The score for this variant resulted in a classification of benign for this disease.

Laboratory for Molecular Medicine, Mass General Brigham Personalized Medicine
Classification: Benign. Last evaluated: 2016-03-28. Review status: criteria provided, single submitter. Criteria: LMM Criteria. Collection method: clinical testing. Allele origin: germline.
Comment: Variant identified in a genome or exome case(s) and assessed due to predicted null impact of the variant or pathogenic assertions in the literature or databases. Disclaimer: This variant has not undergone full assessment. The following are preliminary notes: Frequency

Clinical Genetics DNA and cytogenetics Diagnostics Lab, Erasmus MC, Erasmus Medical Center
Classification: Benign for Niemann-Pick disease, type C1. Last evaluated: 2015-09-21. Review status: criteria provided, single submitter. Criteria: ACGS Guidelines, 2013. Collection method: clinical testing. Allele origin: germline. Affected: yes. Study: VKGL Data-share Consensus.

Eurofins Ntd Llc (ga)
Classification: Benign. Last evaluated: 2015-07-24. Review status: criteria provided, single submitter. Criteria: EGL Classification Definitions 2015. Collection method: clinical testing. Allele origin: germline. Observed: 24 variant alleles, 24 heterozygotes.

GeneDx
Classification: Benign. Last evaluated: 2015-03-03. Review status: criteria provided, single submitter. Criteria: GeneDx Variant Classification Process June 2021. Collection method: clinical testing. Allele origin: germline. Affected: yes.

Breakthrough Genomics
Classification: Benign. Review status: criteria provided, single submitter. Criteria: ACMG Guidelines, 2015. Collection method: not provided. Allele origin: germline. Inheritance: Autosomal recessive inheritance. Affected: yes.

PreventionGenetics, part of Exact Sciences
Classification: Benign. Review status: criteria provided, single submitter. Criteria: ACMG Guidelines, 2015. Collection method: clinical testing. Allele origin: germline.

Natera, Inc.
Classification: Benign for Niemann-Pick disease type C1. Last evaluated: 2020-09-16. Review status: no assertion criteria provided. Collection method: clinical testing. Allele origin: germline. Not counted in ClinVar's aggregate classification.

Genome Diagnostics Laboratory, Amsterdam University Medical Center
Classification: Benign for Niemann-Pick disease, type C1. Last evaluated: 2017-01-06. Review status: no assertion criteria provided. Criteria: ACGS Guidelines, 2013. Collection method: clinical testing. Allele origin: germline. Affected: yes. Study: VKGL Data-share Consensus. Not counted in ClinVar's aggregate classification.

Mayo Clinic Laboratories, Mayo Clinic
Classification: Benign. Last evaluated: 2015-10-23. Review status: no assertion criteria provided. Collection method: clinical testing. Allele origin: unknown. Not counted in ClinVar's aggregate classification.

Clinical Genetics, Academic Medical Center
Classification: Benign. Review status: no assertion criteria provided. Collection method: clinical testing. Allele origin: germline. Affected: yes. Study: VKGL Data-share Consensus. Not counted in ClinVar's aggregate classification.

Genetic Services Laboratory, University of Chicago
Classification: Likely benign for AllHighlyPenetrant. Review status: no assertion criteria provided. Collection method: clinical testing. Allele origin: germline. Inheritance: Autosomal recessive inheritance. Not counted in ClinVar's aggregate classification.
Comment: Likely benign based on allele frequency in 1000 Genomes Project or ESP global frequency and its presence in a patient with a rare or unrelated disease phenotype. NOT Sanger confirmed.

Joint Genome Diagnostic Labs from Nijmegen and Maastricht, Radboudumc and MUMC+
Classification: Benign. Review status: no assertion criteria provided. Collection method: clinical testing. Allele origin: germline. Affected: yes. Study: VKGL Data-share Consensus. Not counted in ClinVar's aggregate classification.